The following is an entry in ClinVar:

NM_000278.5(PAX2):c.44-2A>G

Gene: PAX2 (paired box 2; plus strand). Cytogenetic location: 10q24.31.
Variant type: single nucleotide variant.
Coding change: c.44-2A>G on transcript NM_000278.5 (MANE Select); the canonical splice acceptor site of the intron before coding-DNA position 44, A replaced by G.
Molecular consequence: splice acceptor variant.
Genome position (GRCh38, 1-based): chr10:100,749,744, A>G. VCF-style: chr10-100749744-A-G. GRCh37 (hg19) VCF-style: chr10-102509501-A-G.
Other names: c.44-2A>G (NM_003990.5, NM_003988.5, NM_003989.5 and 1 more transcripts); c.137-2A>G (NM_001304569.2).
Identifiers: ClinVar variation 1910228 (VCV001910228.5), dbSNP rs560454433, ClinGen allele CA5650641.
Genomic context (GRCh38, chr10:100,749,744, plus strand): 5'-CTGACTAATGGCCGGTCCCTGCTGTGTGTGGGGTGTTGTGTTTTTTTCTTGTCTCTCCCC[A>G]GCAGGGCACGGGGGTGTGAACCAGCTCGGGGGGGTGTTTGTGAACGGCCGGCCCCTACCC-3'

ClinVar aggregate classification (germline): Likely pathogenic (1 of 4 stars; one submission).

Conditions:
Focal segmental glomerulosclerosis 7 (FSGS7). Identifiers: Orphanet 656, MedGen C4014925, MONDO:0014451, OMIM 616002.
Renal coloboma syndrome (PAPRS). Also called: PAPILLORENAL SYNDROME; CONGENITAL ANOMALIES OF THE KIDNEY AND URINARY TRACT WITH OR WITHOUT OCULAR ABNORMALITIES; CAKUT WITH OR WITHOUT OCULAR ABNORMALITIES; PAPILLORENAL SYNDROME WITH MILD OCULAR ABNORMALITIES; COLOBOMA OF OPTIC NERVE WITH RENAL DISEASE; OPTIC COLOBOMA, VESICOURETERAL REFLUX, AND RENAL ANOMALIES. Identifiers: Orphanet 1475, MedGen C1852759, MONDO:0007352, OMIM 120330.

Allele frequency attached by ClinVar (database versions not stated): gnomAD exomes below 0.00001; ExAC 0.00003; 1000 Genomes Project 0.00020; gnomAD 0.00001; TOPMed 0.00001; 1000 Genomes Project 30x 0.00031.
gnomAD v4.1: 3 of 1,608,518 alleles (0.00019%); highest among the groups gnomAD compares: African/African-American, 0.004%; no homozygotes.

Submission:

Labcorp Genetics (formerly Invitae), Labcorp
Classification: Likely pathogenic for Renal coloboma syndrome; Focal segmental glomerulosclerosis 7. Last evaluated: 2022-07-27. Review status: criteria provided, single submitter. Criteria: Invitae Variant Classification Sherloc (09022015). Collection method: clinical testing. Allele origin: germline.
Comment: In summary, the currently available evidence indicates that the variant is pathogenic, but additional data are needed to prove that conclusively. Therefore, this variant has been classified as Likely Pathogenic. Algorithms developed to predict the effect of sequence changes on RNA splicing suggest that this variant may disrupt the consensus splice site. This variant has not been reported in the literature in individuals affected with PAX2-related conditions. This variant is present in population databases (rs560454433, gnomAD 0.01%). This sequence change affects an acceptor splice site in intron 1 of the PAX2 gene. It is expected to disrupt RNA splicing. Variants that disrupt the donor or acceptor splice site typically lead to a loss of protein function (PMID: 16199547), and loss-of-function variants in PAX2 are known to be pathogenic (PMID: 11461952, 24676634).

Literature cited by the submitters: PubMed 16199547; PubMed 11461952; PubMed 24676634.